The following is an entry in ClinVar:

ClinVar aggregate classification (germline): Benign (1 of 4 stars; one submission).

Conditions:
Leigh syndrome (NULS). Also called: Leigh's necrotizing encephalopathy; Leigh's disease; Leigh's syndrome; LEIGH SYNDROME, NUCLEAR; Leigh Syndrome (mtDNA deletion); Leigh Disease. Identifiers: Orphanet 506, MedGen C2931891, MONDO:0009723, OMIM 256000.

Submission:

Wong Mito Lab, Molecular and Human Genetics, Baylor College of Medicine
Classification: Benign for Leigh syndrome. Last evaluated: 2019-10-17. Review status: criteria provided, single submitter. Criteria: Modified ACMG Guidelines (Unpublished). Collection method: clinical testing. Allele origin: germline.
Comment: The NC_012920.1:m.15663T>C (YP_003024038.1:p.Ile306Thr) variant in MTCYB gene is interpretated to be a Benign variant based on the modified ACMG guidelines (unpublished). This variant meets the following evidence codes: BS1, BS2, BP4

NC_012920.1(MT-CYB):m.15663T>C

Gene: MT-CYB (mitochondrially encoded cytochrome b; plus strand).
Variant type: single nucleotide variant.
Genome position: chrM-15663-T-C.
Identifiers: ClinVar variation 693928 (VCV000693928.1), dbSNP rs369851331, ClinGen allele CA337100478.